The following is an entry in ClinVar:

NM_015330.6(SPECC1L):c.3089A>T (p.Asn1030Ile)

Genes: SPECC1L (sperm antigen with calponin homology and coiled-coil domains 1 like; plus strand), SPECC1L-ADORA2A (SPECC1L-ADORA2A readthrough (NMD candidate); plus strand). Cytogenetic location: 22q11.23.
Variant type: single nucleotide variant.
Coding change: c.3089A>T on transcript NM_015330.6 (MANE Select); coding-DNA position 3089, A replaced by T.
Protein change: p.Asn1030Ile; replaces asparagine 1030 with isoleucine.
Molecular consequence: missense variant. On other transcripts: non-coding transcript variant (1), intron variant (1).
Genome position (GRCh38, 1-based): chr22:24,411,589, A>T. VCF-style: chr22-24411589-A-T. GRCh37 (hg19) VCF-style: chr22-24807557-A-T.
Other names: c.3089A>T, p.Asn1030Ile (NM_001145468.4); c.287A>T, p.Asn96Ile (NM_001254733.2); c.3088-1059A>T (NM_001254732.3); short protein forms N1030I, N96I.
Identifiers: ClinVar variation 2976051 (VCV002976051.3), dbSNP rs1364054165, ClinGen allele CA410955217.

ClinVar aggregate classification (germline): Uncertain significance (1 of 4 stars; one submission).

Allele frequency attached by ClinVar (database versions not stated): gnomAD exomes below 0.00001.
gnomAD v4.1: 1 of 1,613,874 alleles (0.000062%); highest among the groups gnomAD compares: South Asian, 0.0011%; no homozygotes.

Submission:

Labcorp Genetics (formerly Invitae), Labcorp
Classification: Uncertain significance. Last evaluated: 2024-02-23. Review status: criteria provided, single submitter. Criteria: Invitae Variant Classification Sherloc (09022015). Collection method: clinical testing. Allele origin: germline.
Comment: This sequence change replaces asparagine, which is neutral and polar, with isoleucine, which is neutral and non-polar, at codon 1030 of the SPECC1L protein (p.Asn1030Ile). This variant is not present in population databases (gnomAD no frequency). This variant has not been reported in the literature in individuals affected with SPECC1L-related conditions. This missense change has been observed in at least one individual who was not affected with SPECC1L-related conditions (Invitae). An algorithm developed to predict the effect of missense changes on protein structure and function (PolyPhen-2) suggests that this variant is likely to be disruptive. In summary, the available evidence is currently insufficient to determine the role of this variant in disease. Therefore, it has been classified as a Variant of Uncertain Significance.